The following is an entry in ClinVar:

NM_000059.4(BRCA2):c.4514C>T (p.Thr1505Ile)

Gene: BRCA2 (BRCA2 DNA repair associated; plus strand). Cytogenetic location: 13q13.1.
Variant type: single nucleotide variant.
Coding change: c.4514C>T on transcript NM_000059.4 (MANE Select); coding-DNA position 4514, C replaced by T.
Protein change: p.Thr1505Ile; replaces threonine 1505 with isoleucine.
Molecular consequence: missense variant.
Genome position (GRCh38, 1-based): chr13:32,338,869, C>T. VCF-style: chr13-32338869-C-T. GRCh37 (hg19) VCF-style: chr13-32913006-C-T.
Other names: short protein forms T1505I.
Identifiers: ClinVar variation 630456 (VCV000630456.9), dbSNP rs1566230463, ClinGen allele CA387781635.

ClinVar aggregate classification (germline): Conflicting classifications of pathogenicity. Review status: criteria provided, conflicting classifications (1 of 4 stars). 4 submissions from 4 submitters: Uncertain significance (2); Likely benign (2). Last evaluated 2023-12-06.

Conditions:
Hereditary breast ovarian cancer syndrome. Also called: Hereditary breast and ovarian cancer; Hereditary breast and ovarian cancer syndrome (HBOC); Breast and ovarian cancer; Hereditary breast and ovarian cancer syndrome; BRCA1- and BRCA2-Associated Hereditary Breast and Ovarian Cancer; Hereditary breast and/or ovarian cancer syndrome. Identifiers: Orphanet 145, MedGen C0677776, MeSH D061325, MONDO:0003582. Disease mechanism: loss of function.
Hereditary cancer-predisposing syndrome. Also called: Tumor predisposition; Neoplastic Syndromes, Hereditary; Hereditary neoplastic syndrome; Hereditary Cancer Syndrome. Identifiers: Orphanet 140162, MedGen C0027672, MeSH D009386, MONDO:0015356.

Submissions (4):

Ambry Genetics
Classification: Likely benign for Hereditary cancer-predisposing syndrome. Last evaluated: 2023-12-06. Review status: criteria provided, single submitter. Criteria: Ambry Variant Classification Scheme 2023. Collection method: clinical testing. Allele origin: germline.

Labcorp Genetics (formerly Invitae), Labcorp
Classification: Uncertain significance for Hereditary breast ovarian cancer syndrome. Last evaluated: 2023-11-01. Review status: criteria provided, single submitter. Criteria: Invitae Variant Classification Sherloc (09022015). Collection method: clinical testing. Allele origin: germline.
Comment: This sequence change replaces threonine, which is neutral and polar, with isoleucine, which is neutral and non-polar, at codon 1505 of the BRCA2 protein (p.Thr1505Ile). This variant is not present in population databases (gnomAD no frequency). This variant has not been reported in the literature in individuals affected with BRCA2-related conditions. ClinVar contains an entry for this variant (Variation ID: 630456). Advanced modeling of protein sequence and biophysical properties (such as structural, functional, and spatial information, amino acid conservation, physicochemical variation, residue mobility, and thermodynamic stability) performed at Invitae indicates that this missense variant is not expected to disrupt BRCA2 protein function with a negative predictive value of 95%. In summary, the available evidence is currently insufficient to determine the role of this variant in disease. Therefore, it has been classified as a Variant of Uncertain Significance.

University of Washington Department of Laboratory Medicine, University of Washington
Classification: Likely benign for Hereditary cancer-predisposing syndrome. Last evaluated: 2023-03-23. Review status: criteria provided, single submitter. Criteria: Dines et al. (Genet Med. 2020). Collection method: curation. Allele origin: germline.
Comment: Missense variant in a coldspot region where missense variants are very unlikely to be pathogenic (PMID:31911673).

BRCA2 exon 11 coldspot. Reclassification based on statistical prior probability.

Color Diagnostics, LLC DBA Color Health
Classification: Uncertain significance for Hereditary cancer-predisposing syndrome. Last evaluated: 2019-05-31. Review status: criteria provided, single submitter. Criteria: ACMG Guidelines, 2015. Collection method: clinical testing. Allele origin: germline.